The following is an entry in ClinVar:

ClinVar aggregate classification (germline): Uncertain significance. Review status: criteria provided, multiple submitters, no conflicts (2 of 4 stars). 3 submissions from 3 submitters: Uncertain significance (3). Last evaluated 2026-02-05.

Conditions:
Inborn genetic diseases. Identifiers: MedGen C0950123, MeSH D030342.

Allele frequency attached by ClinVar (database versions not stated): gnomAD exomes 0.00005 and 0.00015; ExAC 0.00011; 1000 Genomes Project 30x 0.00031; 1000 Genomes Project 0.00040; TOPMed 0.00008; gnomAD 0.00002 and 0.00005.
gnomAD v4.1: 78 of 1,614,182 alleles (0.0048%); highest among the groups gnomAD compares: Admixed American, 0.05%; no homozygotes.

Submissions (3):

GeneDx
Classification: Uncertain significance. Last evaluated: 2026-02-05. Review status: criteria provided, single submitter. Criteria: GeneDx Variant Classification Process June 2021. Collection method: clinical testing. Allele origin: germline.
Comment: In silico analysis suggests that this missense variant does not alter protein structure/function; Has not been previously published as pathogenic or benign to our knowledge

Ambry Genetics
Classification: Uncertain significance for Inborn genetic diseases. Last evaluated: 2025-08-07. Review status: criteria provided, single submitter. Criteria: Ambry Variant Classification Scheme 2023. Collection method: clinical testing. Allele origin: germline.

Eurofins Ntd Llc (ga)
Classification: Uncertain significance. Last evaluated: 2018-01-12. Review status: criteria provided, single submitter. Criteria: EGL Classification Definitions 2015. Collection method: clinical testing. Allele origin: germline. Observed: 1 variant allele, 1 heterozygote.

NM_144991.3(TSPEAR):c.1054G>A (p.Ala352Thr)

Gene: TSPEAR (thrombospondin type laminin G domain and EAR repeats; minus strand). Cytogenetic location: 21q22.3.
Variant type: single nucleotide variant.
Coding change: c.1054G>A on transcript NM_144991.3 (MANE Select); coding-DNA position 1054, G replaced by A.
Protein change: p.Ala352Thr; replaces alanine 352 with threonine.
Molecular consequence: missense variant.
Genome position (GRCh38, 1-based): chr21:44,527,387, C>T on the plus strand (G>A on the coding strand, the complement: TSPEAR is on the minus strand). VCF-style: chr21-44527387-C-T. GRCh37 (hg19) VCF-style: chr21-45947270-C-T.
Other names: c.850G>A, p.Ala284Thr (NM_001272037.2); c.1054G>A (NM_144991.2); short protein forms A352T, A284T.
Identifiers: ClinVar variation 595599 (VCV000595599.7), dbSNP rs587674620, ClinGen allele CA10056745.